The following is an entry in ClinVar:

NM_000540.3(RYR1):c.14627A>G (p.Lys4876Arg)

Gene: RYR1 (ryanodine receptor 1; plus strand). Cytogenetic location: 19q13.2.
Variant type: single nucleotide variant.
Coding change: c.14627A>G on transcript NM_000540.3 (MANE Select); coding-DNA position 14627, A replaced by G.
Protein change: p.Lys4876Arg; replaces lysine 4876 with arginine.
Molecular consequence: missense variant.
Genome position (GRCh38, 1-based): chr19:38,580,485, A>G. VCF-style: chr19-38580485-A-G. GRCh37 (hg19) VCF-style: chr19-39071125-A-G.
Other names: c.14627A>G (NM_000540.2); c.14612A>G, p.Lys4871Arg (NM_001042723.2); short protein forms K4876R, K4871R.
Identifiers: ClinVar variation 133081 (VCV000133081.5), dbSNP rs113210953, ClinGen allele CA024200.

ClinVar aggregate classification (germline): Pathogenic. Review status: reviewed by expert panel (3 of 4 stars). 3 submissions from 3 submitters: Pathogenic (1). 2 of the submissions do not count toward it. Last evaluated 2023-11-21.

Conditions:
RYR1-related disorder. Also called: RYR1-related disorders; RYR1-related condition. Identifiers: MedGen CN239331.
Malignant hyperthermia of anesthesia. Also called: Anesthesic-triggered malignant hyperthermia. Identifiers: Orphanet 423, MedGen C0024591, MONDO:0018493, HP:0034733.

Submissions (3):

ClinGen Malignant Hyperthermia Susceptibility Variant Curation Expert Panel, ClinGen
Classification: Pathogenic for Malignant hyperthermia of anesthesia. Last evaluated: 2023-11-21. Review status: reviewed by expert panel. Criteria: RYR1-MHS Interpretation Guidelines V2. Collection method: curation. Allele origin: germline. Inheritance: Autosomal dominant inheritance.
Comment: This pathogenicity assessment is relevant only for malignant hyperthermia susceptibility (MHS) inherited in an autosomal dominant pattern. Variants in RYR1 can also cause other myopathies inherited in an autosomal dominant pattern or in an autosomal recessive pattern. Some of these disorders may predispose individuals to malignant hyperthermia. RYR1 variants may also contribute to a malignant hyperthermia reaction in combination with other genetic and non-genetic factors and the clinician needs to consider such factors in making management decisions. This sequence variant predicts a substitution of lysine with arginine at codon 4876 of the RYR1 protein, p.(Lys4876Arg). This variant was not present in a large population database (gnomAD) at the time this variant was interpreted. This variant has been reported in four unrelated individuals who have a personal or family history of a malignant hyperthermia reaction, all of these individuals had a positive in vitro contracture test (IVCT) or caffeine halothane contracture test (CHCT) result (if the proband was unavailable for testing, a positive diagnostic test result in a mutation-positive relative was counted), PS4_Moderate (PMID:15731587, PMID:16163667, PMID:19191329, PMID:24433488). This variant segregates with MHS in seven individuals, PP1_Strong (PMID:27854207, Noda et al. 2023). Functional studies in HEK293 cells show an increased sensitivity to RYR1 agonists, PS3_Moderate (Noda et al. 2023). This variant resides in a region of RYR1 considered to be a hotspot for pathogenic variants that contribute to MHS, PM1_Supporting (PMID: 21118704). A REVEL score >0.85 (0.912) supports a pathogenic status for this variant, PP3_Moderate. This variant has been classified as Pathogenic. Criteria implemented: PS3_Moderate, PS4_Moderate, PM1_Supporting, PP1_Strong, PP3_Moderate.

Blueprint Genetics
Classification: Likely pathogenic for RYR1-related disorders. Last evaluated: 2021-09-22. Review status: criteria provided, single submitter. Criteria: ACMG Guidelines, 2015. Collection method: clinical testing. Allele origin: germline. Affected: yes. Observed: 1 variant allele. Not counted in ClinVar's aggregate classification.

RYR1 database
No classification provided. Review status: no classification provided. Collection method: not provided. Allele origin: unknown. Not counted in ClinVar's aggregate classification.